The following is an entry in ClinVar:

NM_001379451.1(BCORL1):c.2503C>G (p.Pro835Ala)

Gene: BCORL1 (BCL6 corepressor like 1; plus strand). Cytogenetic location: Xq26.1.
Variant type: single nucleotide variant.
Coding change: c.2503C>G on transcript NM_001379451.1 (MANE Select); coding-DNA position 2503, C replaced by G.
Protein change: p.Pro835Ala; replaces proline 835 with alanine.
Molecular consequence: missense variant.
Genome position (GRCh38, 1-based): chrX:130,015,275, C>G. VCF-style: chrX-130015275-C-G. GRCh37 (hg19) VCF-style: chrX-129149251-C-G.
Other names: c.2503C>G, p.Pro835Ala (NM_001184772.3, NM_001379450.1, NM_001441326.1 and 7 more transcripts); short protein forms P835A.
Identifiers: ClinVar variation 4795784 (VCV004795784.1).

ClinVar aggregate classification (germline): Uncertain significance (1 of 4 stars; one submission).

Submission:

GeneDx
Classification: Uncertain significance. Last evaluated: 2025-08-12. Review status: criteria provided, single submitter. Criteria: GeneDx Variant Classification Process June 2021. Collection method: clinical testing. Allele origin: germline. Affected: yes.
Comment: Not observed at significant frequency in large population cohorts (gnomAD); In silico analysis supports that this missense variant has a deleterious effect on protein structure/function; Has not been previously published as pathogenic or benign to our knowledge